The following is an entry in ClinVar:

NM_001184.4(ATR):c.2230A>T (p.Asn744Tyr)

Gene: ATR (ATR checkpoint kinase; minus strand). Cytogenetic location: 3q23.
Variant type: single nucleotide variant.
Coding change: c.2230A>T on transcript NM_001184.4 (MANE Select); coding-DNA position 2230, A replaced by T.
Protein change: p.Asn744Tyr; replaces asparagine 744 with tyrosine.
Molecular consequence: missense variant.
Genome position (GRCh38, 1-based): chr3:142,555,988, T>A on the plus strand (A>T on the coding strand, the complement: ATR is on the minus strand). VCF-style: chr3-142555988-T-A. GRCh37 (hg19) VCF-style: chr3-142274830-T-A.
Other names: c.2038A>T, p.Asn680Tyr (NM_001354579.2); short protein forms N744Y, N680Y.
Identifiers: ClinVar variation 1788100 (VCV001788100.2), dbSNP rs1264860794, ClinGen allele CA354818710.

ClinVar aggregate classification (germline): Uncertain significance (1 of 4 stars; one submission).

Conditions:
Inborn genetic diseases. Identifiers: MedGen C0950123, MeSH D030342.

Allele frequency attached by ClinVar (database versions not stated): gnomAD exomes below 0.00001; TOPMed below 0.00001; gnomAD 0.00001.
gnomAD v4.1: 3 of 1,613,996 alleles (0.00019%); highest among the groups gnomAD compares: African/African-American, 0.004%; no homozygotes.

Submission:

Ambry Genetics
Classification: Uncertain significance for Inborn genetic diseases. Last evaluated: 2022-10-03. Review status: criteria provided, single submitter. Criteria: Ambry Variant Classification Scheme 2023. Collection method: clinical testing. Allele origin: germline.
Comment: The p.N744Y variant (also known as c.2230A>T), located in coding exon 10 of the ATR gene, results from an A to T substitution at nucleotide position 2230. The asparagine at codon 744 is replaced by tyrosine, an amino acid with dissimilar properties. This amino acid position is conserved. In addition, this alteration is predicted to be tolerated by in silico analysis. Since supporting evidence is limited at this time, the clinical significance of this alteration remains unclear.